The following is an entry in ClinVar:

NM_001110556.2(FLNA):c.208G>T (p.Asp70Tyr)

Gene: FLNA (filamin A; minus strand). Cytogenetic location: Xq28.
Variant type: single nucleotide variant.
Coding change: c.208G>T on transcript NM_001110556.2 (MANE Select); coding-DNA position 208, G replaced by T.
Protein change: p.Asp70Tyr; replaces aspartic acid 70 with tyrosine.
Molecular consequence: missense variant.
Genome position (GRCh38, 1-based): chrX:154,371,038, C>A on the plus strand (G>T on the coding strand, the complement: FLNA is on the minus strand). VCF-style: chrX-154371038-C-A. GRCh37 (hg19) VCF-style: chrX-153599406-C-A.
Other names: c.208G>T, p.Asp70Tyr (NM_001456.4); short protein forms D70Y.
Identifiers: ClinVar variation 3363948 (VCV003363948.1).

ClinVar aggregate classification (germline): Uncertain significance (1 of 4 stars; one submission).

Submission:

GeneDx
Classification: Uncertain significance. Last evaluated: 2023-11-02. Review status: criteria provided, single submitter. Criteria: GeneDx Variant Classification Process June 2021. Collection method: clinical testing. Allele origin: germline. Affected: yes.
Comment: Not observed at significant frequency in large population cohorts (gnomAD); In silico analysis supports that this missense variant has a deleterious effect on protein structure/function; Has not been previously published as pathogenic or benign to our knowledge